The following is an entry in ClinVar:

ClinVar aggregate classification (germline): Likely benign. Review status: criteria provided, single submitter (1 of 4 stars). 2 submissions from 2 submitters: Likely benign (1). 1 of the submissions does not count toward it. Last evaluated 2022-08-01.

Conditions:
NLGN4X-related disorder. Also called: NLGN4X-related condition.

Allele frequency attached by ClinVar (database versions not stated): ExAC 0.00008; TOPMed 0.00011; gnomAD 0.00013; gnomAD exomes 0.00022.
gnomAD v4.1: 247 of 1,210,260 alleles (0.02%); highest among the groups gnomAD compares: Non-Finnish European, 0.027%; no homozygotes.

Submissions (2):

CeGaT Center for Human Genetics Tuebingen
Classification: Likely benign. Last evaluated: 2022-08-01. Review status: criteria provided, single submitter. Criteria: CeGaT Center For Human Genetics Tuebingen Variant Classification Criteria Version 2. Collection method: clinical testing. Allele origin: germline. Affected: yes. Observed: 1 variant allele.
Comment: NLGN4X: BP4, BP7

PreventionGenetics, part of Exact Sciences
Classification: Likely benign for NLGN4X-related condition. Last evaluated: 2019-07-12. Review status: no assertion criteria provided. Collection method: clinical testing. Allele origin: germline. Not counted in ClinVar's aggregate classification.
Comment: This variant is classified as likely benign based on ACMG/AMP sequence variant interpretation guidelines (Richards et al. 2015 PMID: 25741868, with internal and published modifications).

NM_181332.3(NLGN4X):c.411C>T (p.Thr137=)

Gene: NLGN4X (neuroligin 4 X-linked; minus strand). Cytogenetic location: Xp22.31.
Variant type: single nucleotide variant.
Coding change: c.411C>T on transcript NM_181332.3 (MANE Select); coding-DNA position 411, C replaced by T.
Protein change: p.Thr137=; no amino-acid change (threonine 137 retained).
Molecular consequence: synonymous variant.
Genome position (GRCh38, 1-based): chrX:6,151,056, G>A on the plus strand (C>T on the coding strand, the complement: NLGN4X is on the minus strand). VCF-style: chrX-6151056-G-A. GRCh37 (hg19) VCF-style: chrX-6069097-G-A.
Other names: c.411C>T (NM_020742.3); c.411C>T, p.Thr137= (NM_001282145.2, NM_001282146.2, NM_020742.4).
Identifiers: ClinVar variation 1711700 (VCV001711700.31), dbSNP rs779110176, ClinGen allele CA10341226.